The following is an entry in ClinVar:

ClinVar aggregate classification (germline): Likely benign (1 of 4 stars; one submission).

gnomAD v4.1: 12 of 1,154,625 alleles (0.001%); highest among the groups gnomAD compares: East Asian, 0.015%; no homozygotes.

Submission:

Center for Medical Genetics Ghent, University of Ghent
Classification: Likely benign. Last evaluated: 2025-03-13. Review status: criteria provided, single submitter. Criteria: ACMG Guidelines, 2015. Collection method: clinical testing. Allele origin: maternal. Affected: yes.
Comment: BP4, BP7 RNA-sequencing was performed on PBMCs and did not show any aberrant splicing of the variant.

NM_015107.3(PHF8):c.1140C>T (p.Arg380=)

Gene: PHF8 (PHD finger protein 8; minus strand). Cytogenetic location: Xp11.22.
Variant type: single nucleotide variant.
Coding change: c.1140C>T on transcript NM_015107.3 (MANE Select); coding-DNA position 1140, C replaced by T.
Protein change: p.Arg380=; no amino-acid change (arginine 380 retained).
Molecular consequence: synonymous variant.
Genome position (GRCh38, 1-based): chrX:54,002,156, G>A on the plus strand (C>T on the coding strand, the complement: PHF8 is on the minus strand). VCF-style: chrX-54002156-G-A. GRCh37 (hg19) VCF-style: chrX-54028589-G-A.
Other names: c.1248C>T, p.Arg416= (NM_001184896.1); c.1140C>T, p.Arg380= (NM_001184897.2, NM_001184898.2).
Identifiers: ClinVar variation 3772692 (VCV003772692.1).